The following is an entry in ClinVar:

ClinVar aggregate classification (germline): Uncertain significance. Review status: criteria provided, multiple submitters, no conflicts (2 of 4 stars). 2 submissions from 2 submitters: Uncertain significance (2). Last evaluated 2026-01-15.

Conditions:
Hereditary cancer-predisposing syndrome. Also called: Neoplastic Syndromes, Hereditary; Tumor predisposition; Hereditary neoplastic syndrome; Hereditary Cancer Syndrome. Identifiers: Orphanet 140162, MedGen C0027672, MeSH D009386, MONDO:0015356.

Allele frequency attached by ClinVar (database versions not stated): TOPMed below 0.00001.

Submissions (2):

Ambry Genetics
Classification: Uncertain significance for Hereditary cancer-predisposing syndrome. Last evaluated: 2026-01-15. Review status: criteria provided, single submitter. Criteria: Ambry Variant Classification Scheme 2023. Collection method: clinical testing. Allele origin: germline.
Comment: The p.R375G variant (also known as c.1123C>G), located in coding exon 12 of the POLE gene, results from a C to G substitution at nucleotide position 1123. The arginine at codon 375 is replaced by glycine, an amino acid with dissimilar properties. This amino acid position is highly conserved in available vertebrate species. In addition, this alteration is predicted to be deleterious by in silico analysis. Based on the available evidence, the clinical significance of this variant remains unclear.

Labcorp Genetics (formerly Invitae), Labcorp
Classification: Uncertain significance. Last evaluated: 2022-06-30. Review status: criteria provided, single submitter. Criteria: Invitae Variant Classification Sherloc (09022015). Collection method: clinical testing. Allele origin: germline.
Comment: Algorithms developed to predict the effect of missense changes on protein structure and function are either unavailable or do not agree on the potential impact of this missense change (SIFT: "Deleterious"; PolyPhen-2: "Probably Damaging"; Align-GVGD: "Class C0"). ClinVar contains an entry for this variant (Variation ID: 473436). This variant has not been reported in the literature in individuals affected with POLE-related conditions. This variant is not present in population databases (gnomAD no frequency). This sequence change replaces arginine, which is basic and polar, with glycine, which is neutral and non-polar, at codon 375 of the POLE protein (p.Arg375Gly). In summary, the available evidence is currently insufficient to determine the role of this variant in disease. Therefore, it has been classified as a Variant of Uncertain Significance.

NM_006231.4(POLE):c.1123C>G (p.Arg375Gly)

Gene: POLE (DNA polymerase epsilon, catalytic subunit; minus strand). Cytogenetic location: 12q24.33.
Variant type: single nucleotide variant.
Coding change: c.1123C>G on transcript NM_006231.4 (MANE Select); coding-DNA position 1123, C replaced by G.
Protein change: p.Arg375Gly; replaces arginine 375 with glycine.
Molecular consequence: missense variant.
Genome position (GRCh38, 1-based): chr12:132,675,501, G>C on the plus strand (C>G on the coding strand, the complement: POLE is on the minus strand). VCF-style: chr12-132675501-G-C. GRCh37 (hg19) VCF-style: chr12-133252087-G-C.
Other names: short protein forms R375G.
Identifiers: ClinVar variation 473436 (VCV000473436.15), dbSNP rs556789278, ClinGen allele CA387361156.